The following is an entry in ClinVar:

ClinVar aggregate classification (germline): Uncertain significance (1 of 4 stars; one submission).

Allele frequency attached by ClinVar (database versions not stated): ExAC 0.00002.

Submission:

Labcorp Genetics (formerly Invitae), Labcorp
Classification: Uncertain significance. Last evaluated: 2025-06-12. Review status: criteria provided, single submitter. Criteria: Invitae Variant Classification Sherloc (09022015). Collection method: clinical testing. Allele origin: germline.
Comment: This sequence change replaces glutamic acid, which is acidic and polar, with alanine, which is neutral and non-polar, at codon 756 of the TRPC6 protein (p.Glu756Ala). This variant is present in population databases (rs768310456, gnomAD 0.002%). This variant has not been reported in the literature in individuals affected with TRPC6-related conditions. ClinVar contains an entry for this variant (Variation ID: 2045386). Invitae Evidence Modeling of protein sequence and biophysical properties (such as structural, functional, and spatial information, amino acid conservation, physicochemical variation, residue mobility, and thermodynamic stability) has been performed for this missense variant. However, the output from this modeling did not meet the statistical confidence thresholds required to predict the impact of this variant on TRPC6 protein function. In summary, the available evidence is currently insufficient to determine the role of this variant in disease. Therefore, it has been classified as a Variant of Uncertain Significance.

NM_004621.6(TRPC6):c.2267A>C (p.Glu756Ala)

Gene: TRPC6 (transient receptor potential cation channel subfamily C member 6; minus strand). Cytogenetic location: 11q22.1.
Variant type: single nucleotide variant.
Coding change: c.2267A>C on transcript NM_004621.6 (MANE Select); coding-DNA position 2267, A replaced by C.
Protein change: p.Glu756Ala; replaces glutamic acid 756 with alanine.
Molecular consequence: missense variant.
Genome position (GRCh38, 1-based): chr11:101,471,325, T>G on the plus strand (A>C on the coding strand, the complement: TRPC6 is on the minus strand). VCF-style: chr11-101471325-T-G. GRCh37 (hg19) VCF-style: chr11-101342056-T-G.
Other names: short protein forms E756A.
Identifiers: ClinVar variation 2045386 (VCV002045386.4), dbSNP rs768310456, ClinGen allele CA6244167.